The following is an entry in ClinVar:

ClinVar aggregate classification (germline): Likely pathogenic (1 of 4 stars; one submission).

Conditions:
Left ventricular noncompaction 7 (LVNC7). Identifiers: Orphanet 54260, MedGen C3554496, MONDO:0014042, OMIM 615092.

Submission:

Variantyx, Inc.
Classification: Likely pathogenic for Left ventricular noncompaction 7. Last evaluated: 2025-10-07. Review status: criteria provided, single submitter. Criteria: Variantyx Assertion Criteria 2022. Collection method: clinical testing. Allele origin: germline. Inheritance: Autosomal dominant inheritance. Affected: yes.
Comment: This is a frameshift variant in the MIB1 gene (OMIM: 608677). Pathogenic variants in this gene have been associated with autosomal dominant left ventricular noncompaction 7. This variant introduces a premature termination codon in exon 3 out of 21 and is expected to result in loss of function, which is a known disease mechanism for MIB1 in this disorder (PMID: 23314057, 34564127) (PVS1). This variant has a 0.0131% maximum allele frequency in non-founder control populations (PM2). Based on the current evidence, this variant is classified as likely pathogenic for autosomal dominant left ventricular noncompaction 7.

Literature cited by the submitters: PubMed 23314057; PubMed 34564127.

NM_020774.4(MIB1):c.413_414dup (p.Arg140fs)

Gene: MIB1 (MIB E3 ubiquitin protein ligase 1; plus strand). Cytogenetic location: 18q11.2.
Variant type: Microsatellite.
Coding change: c.413_414dup on transcript NM_020774.4 (MANE Select); coding-DNA positions 413 to 414, 2 bases duplicated (AG; older notation c.413_414dupAG).
Protein change: p.Arg140fs; shifts the reading frame from arginine 140.
Molecular consequence: frameshift variant.
Genome position (GRCh38, 1-based): chr18:21,768,634-21,768,635, AG duplicated; duplicating any 2 consecutive bases within chr18:21,768,632-21,768,635 gives the same sequence; the c. name uses the placement nearest the transcript's 3' end. VCF-style (leftmost placement, unchanged base first): chr18-21768631-T-TAG. GRCh37 (hg19) VCF-style: chr18-19348592-T-TAG.
Other names: short protein forms R140fs.
Identifiers: ClinVar variation 4850734 (VCV004850734.1).